The following is an entry in ClinVar:

NM_078470.6(COX15):c.663C>A (p.Tyr221Ter)

Gene: COX15 (cytochrome c oxidase assembly factor COX15; minus strand). Cytogenetic location: 10q24.2.
Variant type: single nucleotide variant.
Coding change: c.663C>A on transcript NM_078470.6 (MANE Select); coding-DNA position 663, C replaced by A.
Protein change: p.Tyr221Ter; replaces tyrosine 221 with a stop codon.
Molecular consequence: nonsense. On other transcripts: non-coding transcript variant (1).
Genome position (GRCh38, 1-based): chr10:99,724,043, G>T on the plus strand (C>A on the coding strand, the complement: COX15 is on the minus strand). VCF-style: chr10-99724043-G-T. GRCh37 (hg19) VCF-style: chr10-101483800-G-T.
Other names: c.663C>A, p.Tyr221Ter (NM_001320974.2, NM_001320975.2, NM_001372024.1 and 5 more transcripts); c.126C>A, p.Tyr42Ter (NM_001320976.2); short protein forms Y42*, Y221*.
Identifiers: ClinVar variation 2856524 (VCV002856524.3), dbSNP rs2036864117, ClinGen allele CA378103632.

ClinVar aggregate classification (germline): Pathogenic (1 of 4 stars; one submission).

Submission:

Labcorp Genetics (formerly Invitae), Labcorp
Classification: Pathogenic. Last evaluated: 2023-04-15. Review status: criteria provided, single submitter. Criteria: Invitae Variant Classification Sherloc (09022015). Collection method: clinical testing. Allele origin: germline.
Comment: This sequence change creates a premature translational stop signal (p.Tyr221*) in the COX15 gene. It is expected to result in an absent or disrupted protein product. Loss-of-function variants in COX15 are known to be pathogenic (PMID: 15863660, 21412973). This variant is not present in population databases (gnomAD no frequency). This variant has not been reported in the literature in individuals affected with COX15-related conditions. For these reasons, this variant has been classified as Pathogenic.

Literature cited by the submitters: PubMed 15863660; PubMed 21412973.